The following is an entry in ClinVar:

ClinVar aggregate classification (germline): Uncertain significance. Review status: criteria provided, multiple submitters, no conflicts (2 of 4 stars). 2 submissions from 2 submitters: Uncertain significance (2). Last evaluated 2023-10-13.

Allele frequency attached by ClinVar (database versions not stated): ExAC 0.00001; gnomAD exomes below 0.00001.
gnomAD v4.1: 1 of 1,613,966 alleles (0.000062%); highest among the groups gnomAD compares: Non-Finnish European, 0.000085%; no homozygotes.

Submissions (2):

GeneDx
Classification: Uncertain significance. Last evaluated: 2023-10-13. Review status: criteria provided, single submitter. Criteria: GeneDx Variant Classification Process June 2021. Collection method: clinical testing. Allele origin: germline.
Comment: Not observed at significant frequency in large population cohorts (gnomAD); In silico analysis supports that this missense variant has a deleterious effect on protein structure/function; Has not been previously published as pathogenic or benign to our knowledge; Variants in candidate genes are classified as variants of uncertain significance in accordance with ACMG guidelines (Richards et al., 2015)

Ambry Genetics
Classification: Uncertain significance. Last evaluated: 2022-06-29. Review status: criteria provided, single submitter. Criteria: Ambry Variant Classification Scheme 2023. Collection method: clinical testing. Allele origin: germline.

NM_001103146.3(GIGYF2):c.988G>A (p.Glu330Lys)

Gene: GIGYF2 (GRB10 interacting GYF protein 2; plus strand). Cytogenetic location: 2q37.1.
Variant type: single nucleotide variant.
Coding change: c.988G>A on transcript NM_001103146.3 (MANE Select); coding-DNA position 988, G replaced by A.
Protein change: p.Glu330Lys; replaces glutamic acid 330 with lysine.
Molecular consequence: missense variant. On other transcripts: non-coding transcript variant (1).
Genome position (GRCh38, 1-based): chr2:232,791,065, G>A. VCF-style: chr2-232791065-G-A. GRCh37 (hg19) VCF-style: chr2-233655775-G-A.
Other names: c.1054G>A, p.Glu352Lys (NM_001103147.2); c.970G>A, p.Glu324Lys (NM_001103148.2); c.988G>A, p.Glu330Lys (NM_015575.4); short protein forms E324K, E330K, E352K.
Identifiers: ClinVar variation 2390274 (VCV002390274.3), dbSNP rs773211074, ClinGen allele CA2170238.